The following is an entry in ClinVar:

NC_000012.12:g.132473272A>G

Gene: MUC8 (mucin 8; minus strand). Cytogenetic location: 12q24.33.
Variant type: single nucleotide variant.
Genome position: GRCh38 VCF-style: chr12-132473272-A-G. GRCh37 (hg19) VCF-style: chr12-133049858-A-G.
Identifiers: ClinVar variation 4534202 (VCV004534202.6).

ClinVar aggregate classification (germline): Likely benign (1 of 4 stars; one submission).

Submission:

CeGaT Center for Human Genetics Tuebingen
Classification: Likely benign. Last evaluated: 2025-10-01. Review status: criteria provided, single submitter. Criteria: CeGaT Center For Human Genetics Tuebingen Variant Classification Criteria Version 2. Collection method: clinical testing. Allele origin: germline. Affected: yes. Observed: 1 variant allele.
Comment: MUC8: BP4, BP7